The following is an entry in ClinVar:

ClinVar aggregate classification (germline): Uncertain significance (1 of 4 stars; one submission).

Conditions:
Autosomal recessive limb-girdle muscular dystrophy type 2J (LGMDR10). Also called: Limb-girdle muscular dystrophy, type 2J; MUSCULAR DYSTROPHY, LIMB-GIRDLE, AUTOSOMAL RECESSIVE 10. Identifiers: Orphanet 140922, MedGen C1837342, MONDO:0012127, OMIM 608807.
Dilated cardiomyopathy 1G (CMD1G). Identifiers: Orphanet 154, MedGen C1858763, MONDO:0011400, OMIM 604145.

Submission:

Labcorp Genetics (formerly Invitae), Labcorp
Classification: Uncertain significance for Dilated cardiomyopathy 1G; Autosomal recessive limb-girdle muscular dystrophy type 2J. Last evaluated: 2025-02-08. Review status: criteria provided, single submitter. Criteria: Invitae Variant Classification Sherloc (09022015). Collection method: clinical testing. Allele origin: germline.
Comment: This sequence change replaces aspartic acid, which is acidic and polar, with glutamic acid, which is acidic and polar, at codon 35659 of the TTN protein (p.Asp35659Glu). This variant is not present in population databases (gnomAD no frequency). This variant has not been reported in the literature in individuals affected with TTN-related conditions. Experimental studies and prediction algorithms are not available or were not evaluated, and the functional significance of this variant is currently unknown. This variant is located in the M band of TTN (PMID: 25589632). Non-truncating variants in this region may be relevant for neuromuscular disorders, but have not been definitively shown to cause cardiomyopathy (PMID: 23975875). In summary, the available evidence is currently insufficient to determine the role of this variant in disease. Therefore, it has been classified as a Variant of Uncertain Significance.

Literature cited by the submitters: PubMed 25589632; PubMed 23975875.

NM_001267550.2(TTN):c.106977T>G (p.Asp35659Glu)

Genes: TTN-AS1 (TTN antisense RNA 1; plus strand), TTN (titin; minus strand). Cytogenetic location: 2q31.2.
Variant type: single nucleotide variant.
Coding change: c.106977T>G on transcript NM_001267550.2 (MANE Select); coding-DNA position 106977, T replaced by G.
Protein change: p.Asp35659Glu; replaces aspartic acid 35659 with glutamic acid.
Molecular consequence: missense variant.
Genome position (GRCh38, 1-based): chr2:178,528,774, A>C on the plus strand (T>G on the coding strand, the complement: TTN is on the minus strand). VCF-style: chr2-178528774-A-C. GRCh37 (hg19) VCF-style: chr2-179393501-A-C.
Other names: c.102054T>G, p.Asp34018Glu (NM_001256850.1); c.79782T>G, p.Asp26594Glu (NM_003319.4); c.99273T>G, p.Asp33091Glu (NM_133378.4); c.80157T>G, p.Asp26719Glu (NM_133432.3); c.80358T>G, p.Asp26786Glu (NM_133437.4); short protein forms D26594E, D26719E, D26786E, D33091E, D34018E, D35659E.
Identifiers: ClinVar variation 3749982 (VCV003749982.2).